The following is an entry in ClinVar:

ClinVar aggregate classification (germline): Uncertain significance (1 of 4 stars; one submission).

Conditions:
Immunodeficiency, common variable, 4. Also called: ANTIBODY DEFICIENCY DUE TO BAFFR DEFECT. Identifiers: Orphanet 1572, Orphanet 696925, MedGen C3150739, MONDO:0013284, OMIM 613494.

Allele frequency attached by ClinVar (database versions not stated): gnomAD exomes below 0.00001.

Submission:

Labcorp Genetics (formerly Invitae), Labcorp
Classification: Uncertain significance for Immunodeficiency, common variable, 4. Last evaluated: 2024-02-24. Review status: criteria provided, single submitter. Criteria: Invitae Variant Classification Sherloc (09022015). Collection method: clinical testing. Allele origin: germline.
Comment: This sequence change replaces proline, which is neutral and non-polar, with leucine, which is neutral and non-polar, at codon 162 of the TNFRSF13C protein (p.Pro162Leu). This variant is not present in population databases (gnomAD no frequency). This variant has not been reported in the literature in individuals affected with TNFRSF13C-related conditions. ClinVar contains an entry for this variant (Variation ID: 659163). An algorithm developed to predict the effect of missense changes on protein structure and function (PolyPhen-2) suggests that this variant is likely to be disruptive. In summary, the available evidence is currently insufficient to determine the role of this variant in disease. Therefore, it has been classified as a Variant of Uncertain Significance.

NM_052945.4(TNFRSF13C):c.485C>T (p.Pro162Leu)

Gene: TNFRSF13C (TNF receptor superfamily member 13C; minus strand). Cytogenetic location: 22q13.2.
Variant type: single nucleotide variant.
Coding change: c.485C>T on transcript NM_052945.4 (MANE Select); coding-DNA position 485, C replaced by T.
Protein change: p.Pro162Leu; replaces proline 162 with leucine.
Molecular consequence: missense variant.
Genome position (GRCh38, 1-based): chr22:41,925,437, G>A on the plus strand (C>T on the coding strand, the complement: TNFRSF13C is on the minus strand). VCF-style: chr22-41925437-G-A. GRCh37 (hg19) VCF-style: chr22-42321441-G-A.
Other names: short protein forms P162L.
Identifiers: ClinVar variation 659163 (VCV000659163.8), dbSNP rs1602373110, ClinGen allele CA411762437.